The following is an entry in ClinVar:

NM_153816.6(SNX14):c.1725dup (p.Glu576Ter)

Gene: SNX14 (sorting nexin 14; minus strand). Cytogenetic location: 6q14.3.
Variant type: Duplication.
Coding change: c.1725dup on transcript NM_153816.6 (MANE Select); coding-DNA position 1725, one base duplicated (T; older notation c.1725dupT).
Protein change: p.Glu576Ter; replaces glutamic acid 576 with a stop codon.
Molecular consequence: nonsense. On other transcripts: non-coding transcript variant (6).
Genome position (GRCh38, 1-based): chr6:85,533,684, A duplicated on the plus strand (T on the coding strand, the reverse complement: SNX14 is on the minus strand); the first of 6 consecutive A bases (chr6:85,533,684-85,533,689); duplicating any one gives the same sequence. VCF-style (leftmost placement, unchanged base first): chr6-85533683-C-CA. GRCh37 (hg19) VCF-style: chr6-86243401-C-CA.
Other names: c.1698dup, p.Glu567Ter (NM_001297614.3, NM_001350541.2); c.1569dup, p.Glu524Ter (NM_001304479.2); c.1788dup, p.Glu597Ter (NM_001350532.2); c.1722dup, p.Glu575Ter (NM_001350533.2, NM_001350535.2); c.1695dup, p.Glu566Ter (NM_001350534.2); c.1593dup, p.Glu532Ter (NM_001350536.2); c.1590dup, p.Glu531Ter (NM_001350537.2); c.1581dup, p.Glu528Ter (NM_001350538.2); and 9 more; short protein forms E226*, E428*, E476*, E479*, E523*, E531*, E575*, E576*.
Identifiers: ClinVar variation 817573 (VCV000817573.1), dbSNP rs1311909367, ClinGen allele CA568328116.

ClinVar aggregate classification (germline): Pathogenic (1 of 4 stars; one submission).

Submission:

GeneDx
Classification: Pathogenic. Last evaluated: 2018-10-26. Review status: criteria provided, single submitter. Criteria: GeneDx Variant Classification (06012015). Collection method: clinical testing. Allele origin: germline. Affected: yes.
Comment: The E576X variant in the SNX14 gene has not been reported previously as a pathogenic variant nor as a benign variant, to our knowledge. This variant is predicted to cause loss of normal protein function either through protein truncation or nonsense-mediated mRNA decay. The E576X variant is not observed at a significant frequency in large population cohorts (Lek et al., 2016). We interpret E576X as a pathogenic variant.